The following is an entry in ClinVar:

NM_000055.4(BCHE):c.884A>G (p.Lys295Arg)

Gene: BCHE (butyrylcholinesterase; minus strand). Cytogenetic location: 3q26.1.
Variant type: single nucleotide variant.
Coding change: c.884A>G on transcript NM_000055.4 (MANE Select); coding-DNA position 884, A replaced by G.
Protein change: p.Lys295Arg; replaces lysine 295 with arginine.
Molecular consequence: missense variant. On other transcripts: non-coding transcript variant (1).
Genome position (GRCh38, 1-based): chr3:165,830,150, T>C on the plus strand (A>G on the coding strand, the complement: BCHE is on the minus strand). VCF-style: chr3-165830150-T-C. GRCh37 (hg19) VCF-style: chr3-165547938-T-C.
Other names: short protein forms K295R.
Identifiers: ClinVar variation 225302 (VCV000225302.4), dbSNP rs115624085, ClinGen allele CA2692410.

ClinVar aggregate classification (germline): Conflicting classifications of pathogenicity. Review status: criteria provided, conflicting classifications (1 of 4 stars). 3 submissions from 3 submitters: Likely pathogenic (1); Uncertain significance (1). 1 of the submissions does not count toward it. Last evaluated 2022-07-17.

Conditions:
Deficiency of butyrylcholinesterase (BCHED). Also called: Deficiency of butyrylcholine esterase; Butyrylcholinesterase deficiency; BCHE, silent 1; Acholinesterasemia. Identifiers: Orphanet 132, MedGen C1283400, MONDO:0015270, OMIM 617936.

Allele frequency attached by ClinVar (database versions not stated): gnomAD 0.00001 and 0.00003; TOPMed 0.00002; gnomAD exomes 0.00011 and 0.00013; 1000 Genomes Project 30x 0.00016; ExAC 0.00017; 1000 Genomes Project 0.00020.
gnomAD v4.1: 188 of 1,613,954 alleles (0.012%); highest among the groups gnomAD compares: East Asian, 0.41%; no homozygotes.

Submissions (3):

Women's Health and Genetics/Laboratory Corporation of America, LabCorp
Classification: Uncertain significance. Last evaluated: 2022-07-17. Review status: criteria provided, single submitter. Criteria: LabCorp Variant Classification Summary - May 2015. Collection method: clinical testing. Allele origin: germline.
Comment: Variant summary: BCHE c.884A>G (p.Lys295Arg) results in a conservative amino acid change located in the Carboxylesterase, type B domain (IPR002018) of the encoded protein sequence. Three of five in-silico tools predict a damaging effect of the variant on protein function. The variant allele was found at a frequency of 0.00011 in 249806 control chromosomes. This frequency is not significantly higher than estimated for a pathogenic variant in BCHE causing Deficiency Of Butyrylcholine Esterase (0.00011 vs 0.016), allowing no conclusion about variant significance. c.884A>G has been reported in the literature as a "silent allele" in individuals affected with Deficiency Of Butyrylcholine Esterase (example, Maekawa_1997 cited in Lockridge_2015, Souza_2005). These report(s) do not provide unequivocal conclusions about association of the variant with Deficiency Of Butyrylcholine Esterase. To our knowledge, no experimental evidence demonstrating an impact on protein function has been reported. Two clinical diagnostic laboratories have submitted clinical-significance assessments for this variant to ClinVar after 2014 without evidence for independent evaluation. One laboratory classified the variant as likely pathogenic, and one laboratory classified the variant as uncertain significance. Based on the evidence outlined above, the variant was classified as uncertain significance.

Soonchunhyang University Bucheon Hospital, Soonchunhyang University Medical Center
Classification: Likely pathogenic. Last evaluated: 2016-03-18. Review status: criteria provided, single submitter. Criteria: ACMG Guidelines, 2015. Collection method: reference population. Allele origin: germline. Observed: 1 variant allele.

Counsyl
Classification: Uncertain significance for Deficiency of butyrylcholinesterase. Last evaluated: 2017-02-24. Review status: no assertion criteria provided. Collection method: clinical testing. Allele origin: unknown. Not counted in ClinVar's aggregate classification.

Literature cited by the submitters: PubMed 25448037 (cited by Women's Health and Genetics/Laboratory Corporation of America, LabCorp); PubMed 9191541 (cited by 3 submitters); PubMed 15781196 (cited by Women's Health and Genetics/Laboratory Corporation of America, LabCorp).